The following is an entry in ClinVar:

NM_001271.4(CHD2):c.2667G>C (p.Trp889Cys)

Gene: CHD2 (chromodomain helicase DNA binding protein 2; plus strand). Cytogenetic location: 15q26.1.
Variant type: single nucleotide variant.
Coding change: c.2667G>C on transcript NM_001271.4 (MANE Select); coding-DNA position 2667, G replaced by C.
Protein change: p.Trp889Cys; replaces tryptophan 889 with cysteine.
Molecular consequence: missense variant.
Genome position (GRCh38, 1-based): chr15:92,978,323, G>C. VCF-style: chr15-92978323-G-C. GRCh37 (hg19) VCF-style: chr15-93521553-G-C.
Other names: short protein forms W889C.
Identifiers: ClinVar variation 1443712 (VCV001443712.6), dbSNP rs2141843220, ClinGen allele CA393893841.

ClinVar aggregate classification (germline): Uncertain significance (1 of 4 stars; one submission).

Conditions:
Developmental and epileptic encephalopathy 94 (DEE94). Also called: CHD2-Related Neurodevelopmental Disorders; Epileptic encephalopathy, childhood-onset. Identifiers: Orphanet 1942, Orphanet 2382, MedGen C3809278, MONDO:0014150, OMIM 615369.

Submission:

Labcorp Genetics (formerly Invitae), Labcorp
Classification: Uncertain significance for Developmental and epileptic encephalopathy 94. Last evaluated: 2022-10-17. Review status: criteria provided, single submitter. Criteria: Invitae Variant Classification Sherloc (09022015). Collection method: clinical testing. Allele origin: germline.
Comment: Advanced modeling of protein sequence and biophysical properties (such as structural, functional, and spatial information, amino acid conservation, physicochemical variation, residue mobility, and thermodynamic stability) performed at Invitae indicates that this missense variant is expected to disrupt CHD2 protein function. In summary, the available evidence is currently insufficient to determine the role of this variant in disease. Therefore, it has been classified as a Variant of Uncertain Significance. ClinVar contains an entry for this variant (Variation ID: 1443712). This sequence change replaces tryptophan, which is neutral and slightly polar, with cysteine, which is neutral and slightly polar, at codon 889 of the CHD2 protein (p.Trp889Cys). This variant is not present in population databases (gnomAD no frequency). This variant has not been reported in the literature in individuals affected with CHD2-related conditions.